The following is an entry in ClinVar:

ClinVar aggregate classification (germline): Pathogenic/Likely pathogenic. Review status: criteria provided, multiple submitters, no conflicts (2 of 4 stars). 2 submissions from 2 submitters: Pathogenic (1); Likely pathogenic (1). Last evaluated 2025-09-16.

Conditions:
Corticosterone methyl oxidase type II deficiency.

Submissions (2):

Natera, Inc.
Classification: Likely pathogenic for Corticosterone methyl oxidase type II deficiency. Last evaluated: 2025-09-16. Review status: criteria provided, single submitter. Criteria: Natera Variant Classification Schema (03/2026). Collection method: clinical testing. Allele origin: germline.
Comment: The c.1486delC variant in CYP11B2 is a frameshift variant predicted to elongate the protein beyond the termination codon. This variant is expected to result in nonsense mediated decay, truncation, or a dysfunctional protein product. This variant is rare in the general population with a frequency below the threshold expected for the associated phenotype(s). This variant has been observed in one or more individuals affected with the associated recessive disease, as either homozygous or compound heterozygous with a second variant (PMID: 34243750). Additionally, this variant has been observed to segregate in affected family members (PMID: 34243750). Given the available evidence, this variant is classified as Likely Pathogenic.

Labcorp Genetics (formerly Invitae), Labcorp
Classification: Pathogenic. Last evaluated: 2023-03-26. Review status: criteria provided, single submitter. Criteria: Invitae Variant Classification Sherloc (09022015). Collection method: clinical testing. Allele origin: germline.
Comment: For these reasons, this variant has been classified as Pathogenic. This sequence change results in a frameshift in the CYP11B2 gene (p.Leu496Serfs*178). While this is not anticipated to result in nonsense mediated decay, it is expected to disrupt the last 8 amino acid(s) of the CYP11B2 protein and extend the protein by 169 additional amino acid residues. This variant is not present in population databases (gnomAD no frequency). This frameshift has been observed in individuals with clinical features of aldosterone synthase deficiency (PMID: 20494601, 34243750). It has also been observed to segregate with disease in related individuals. This variant disrupts a region of the CYP11B2 protein in which other variant(s) (p.Thr498Ala) have been observed in individuals with CYP11B2-related conditions (PMID: 12788848). This suggests that this is a clinically significant region of the protein, and that variants that disrupt it are likely to be disease-causing.

Literature cited by the submitters: PubMed 34243750 (cited by Natera, Inc. and Labcorp Genetics (formerly Invitae), Labcorp); PubMed 20494601 (cited by Labcorp Genetics (formerly Invitae), Labcorp); PubMed 12788848 (cited by Labcorp Genetics (formerly Invitae), Labcorp).

NM_000498.3(CYP11B2):c.1486del (p.Leu496fs)

Genes: CYP11B2 (cytochrome P450 family 11 subfamily B member 2; minus strand), LOC106799834 (CYP11B2 recombination region; plus strand). Cytogenetic location: 8q24.3.
Variant type: Deletion.
Coding change: c.1486del on transcript NM_000498.3 (MANE Select); coding-DNA position 1486, one base deleted (C; older notation c.1486delC).
Protein change: p.Leu496fs; shifts the reading frame from leucine 496.
Molecular consequence: frameshift variant.
Genome position (GRCh38, 1-based): chr8:142,912,006, G deleted on the plus strand (C on the coding strand, the reverse complement: CYP11B2 is on the minus strand); the first of 6 consecutive G bases (chr8:142,912,006-142,912,011); deleting any one gives the same sequence. VCF-style (leftmost placement, unchanged base first): chr8-142912005-AG-A. GRCh37 (hg19) VCF-style: chr8-143993421-AG-A.
Other names: c.1486delC (NM_000498.3); short protein forms L496fs.
Identifiers: ClinVar variation 2735228 (VCV002735228.4), dbSNP rs1204835904, ClinGen allele CA463331521.
Genomic context (GRCh38, chr8:142,912,005, plus strand): 5'-GTGGCCAGGCTGGGACCCTGGGTGCAGATGCAAGACTAGTTAATCGCTCTGAAAGTGAGG[AG>A]GGGGGACGTGCCAGGCCTCAATATGAAGCTGTAGACCATCTTTATGTCCTCTTGAGTTAG-3'